The following is an entry in ClinVar:

NM_002439.5(MSH3):c.1543T>C (p.Leu515=)

Gene: MSH3 (mutS homolog 3; plus strand). Cytogenetic location: 5q14.1.
Variant type: single nucleotide variant.
Coding change: c.1543T>C on transcript NM_002439.5 (MANE Select); coding-DNA position 1543, T replaced by C.
Protein change: p.Leu515=; no amino-acid change (leucine 515 retained).
Molecular consequence: synonymous variant.
Genome position (GRCh38, 1-based): chr5:80,728,940, T>C. VCF-style: chr5-80728940-T-C. GRCh37 (hg19) VCF-style: chr5-80024759-T-C.
Other names: c.1543T>C (NM_002439.4).
Identifiers: ClinVar variation 1146599 (VCV001146599.12), dbSNP rs2112857932, ClinGen allele CA445158575.

ClinVar aggregate classification (germline): Likely benign. Review status: criteria provided, multiple submitters, no conflicts (2 of 4 stars). 3 submissions from 3 submitters: Likely benign (2). 1 of the submissions does not count toward it. Last evaluated 2025-05-27.

Conditions:
MSH3-related disorder. Also called: MSH3-related condition.
Hereditary cancer-predisposing syndrome. Also called: Hereditary neoplastic syndrome; Neoplastic Syndromes, Hereditary; Tumor predisposition; Hereditary Cancer Syndrome. Identifiers: Orphanet 140162, MedGen C0027672, MeSH D009386, MONDO:0015356.

Allele frequency attached by ClinVar (database versions not stated): gnomAD exomes below 0.00001.
gnomAD v4.1: 2 of 1,606,700 alleles (0.00012%); highest among the groups gnomAD compares: Non-Finnish European, 0.00017%; no homozygotes.

Submissions (3):

Labcorp Genetics (formerly Invitae), Labcorp
Classification: Likely benign. Last evaluated: 2025-05-27. Review status: criteria provided, single submitter. Criteria: Invitae Variant Classification Sherloc (09022015). Collection method: clinical testing. Allele origin: germline.

Ambry Genetics
Classification: Likely benign for Hereditary cancer-predisposing syndrome. Last evaluated: 2022-05-17. Review status: criteria provided, single submitter. Criteria: Ambry Variant Classification Scheme 2023. Collection method: clinical testing. Allele origin: germline.

PreventionGenetics, part of Exact Sciences
Classification: Likely benign for MSH3-related condition. Last evaluated: 2024-07-26. Review status: no assertion criteria provided. Collection method: clinical testing. Allele origin: germline. Not counted in ClinVar's aggregate classification.
Comment: This variant is classified as likely benign based on ACMG/AMP sequence variant interpretation guidelines (Richards et al. 2015 PMID: 25741868, with internal and published modifications).